The following is an entry in ClinVar:

NM_001127222.2(CACNA1A):c.6278T>C (p.Met2093Thr)

Gene: CACNA1A (calcium voltage-gated channel subunit alpha1 A; minus strand). Cytogenetic location: 19p13.13.
Variant type: single nucleotide variant.
Coding change: c.6278T>C on transcript NM_001127222.2 (MANE Select); coding-DNA position 6278, T replaced by C.
Protein change: p.Met2093Thr; replaces methionine 2093 with threonine.
Molecular consequence: missense variant.
Genome position (GRCh38, 1-based): chr19:13,212,128, A>G on the plus strand (T>C on the coding strand, the complement: CACNA1A is on the minus strand). VCF-style: chr19-13212128-A-G. GRCh37 (hg19) VCF-style: chr19-13322942-A-G.
Other names: c.6296T>C, p.Met2099Thr (NM_000068.4, NM_023035.3); c.6281T>C, p.Met2094Thr (NM_001127221.2); c.6287T>C, p.Met2096Thr (NM_001174080.2); short protein forms M2093T, M2094T, M2096T, M2099T.
Identifiers: ClinVar variation 2442708 (VCV002442708.1), dbSNP rs2512533864, ClinGen allele CA404332168.

ClinVar aggregate classification (germline): Uncertain significance (1 of 4 stars; one submission).

Submission:

GeneDx
Classification: Uncertain significance. Last evaluated: 2022-08-30. Review status: criteria provided, single submitter. Criteria: GeneDx Variant Classification Process June 2021. Collection method: clinical testing. Allele origin: germline. Affected: yes.
Comment: Not observed at significant frequency in large population cohorts (gnomAD); In silico analysis supports that this missense variant has a deleterious effect on protein structure/function; Has not been previously published as pathogenic or benign to our knowledge